The following is an entry in ClinVar:

NM_182493.3(MYLK3):c.1078C>T (p.Leu360Phe)

Gene: MYLK3 (myosin light chain kinase 3; minus strand). Cytogenetic location: 16q11.2.
Variant type: single nucleotide variant.
Coding change: c.1078C>T on transcript NM_182493.3 (MANE Select); coding-DNA position 1078, C replaced by T.
Protein change: p.Leu360Phe; replaces leucine 360 with phenylalanine.
Molecular consequence: missense variant.
Genome position (GRCh38, 1-based): chr16:46,732,592, G>A on the plus strand (C>T on the coding strand, the complement: MYLK3 is on the minus strand). VCF-style: chr16-46732592-G-A. GRCh37 (hg19) VCF-style: chr16-46766504-G-A.
Other names: c.55C>T, p.Leu19Phe (NM_001308301.1); short protein forms L360F, L19F.
Identifiers: ClinVar variation 1486229 (VCV001486229.6), dbSNP rs779533825, ClinGen allele CA8038078.

ClinVar aggregate classification (germline): Uncertain significance (1 of 4 stars; one submission).

Allele frequency attached by ClinVar (database versions not stated): gnomAD 0.00001; ExAC 0.00002; gnomAD exomes 0.00002; TOPMed 0.00003.
gnomAD v4.1: 16 of 1,596,570 alleles (0.001%); highest among the groups gnomAD compares: Non-Finnish European, 0.0013%; no homozygotes.

Submission:

Labcorp Genetics (formerly Invitae), Labcorp
Classification: Uncertain significance. Last evaluated: 2026-02-03. Review status: criteria provided, single submitter. Criteria: Invitae Variant Classification Sherloc (09022015). Collection method: clinical testing. Allele origin: germline.
Comment: This sequence change replaces leucine, which is neutral and non-polar, with phenylalanine, which is neutral and non-polar, at codon 360 of the MYLK3 protein (p.Leu360Phe). This variant is present in population databases (rs779533825, gnomAD 0.004%). This variant has not been reported in the literature in individuals affected with MYLK3-related conditions. ClinVar contains an entry for this variant (Variation ID: 1486229). An algorithm developed to predict the effect of missense changes on protein structure and function (PolyPhen-2) suggests that this variant is likely to be tolerated. In summary, the available evidence is currently insufficient to determine the role of this variant in disease. Therefore, it has been classified as a Variant of Uncertain Significance.